The following is an entry in ClinVar:

NM_001375.3(DNASE2):c.425C>T (p.Ala142Val)

Gene: DNASE2 (deoxyribonuclease 2, lysosomal; minus strand). Cytogenetic location: 19p13.13.
Variant type: single nucleotide variant.
Coding change: c.425C>T on transcript NM_001375.3 (MANE Select); coding-DNA position 425, C replaced by T.
Protein change: p.Ala142Val; replaces alanine 142 with valine.
Molecular consequence: missense variant.
Genome position (GRCh38, 1-based): chr19:12,878,756, G>A on the plus strand (C>T on the coding strand, the complement: DNASE2 is on the minus strand). VCF-style: chr19-12878756-G-A. GRCh37 (hg19) VCF-style: chr19-12989570-G-A.
Other names: short protein forms A142V.
Identifiers: ClinVar variation 1467114 (VCV001467114.8), dbSNP rs1221678470, ClinGen allele CA404300026.

ClinVar aggregate classification (germline): Uncertain significance (1 of 4 stars; one submission).

Allele frequency attached by ClinVar (database versions not stated): gnomAD exomes below 0.00001; TOPMed below 0.00001; gnomAD 0.00001.
gnomAD v4.1: 4 of 1,613,986 alleles (0.00025%); highest among the groups gnomAD compares: Non-Finnish European, 0.00034%; no homozygotes.

Submission:

Labcorp Genetics (formerly Invitae), Labcorp
Classification: Uncertain significance. Last evaluated: 2020-12-26. Review status: criteria provided, single submitter. Criteria: Invitae Variant Classification Sherloc (09022015). Collection method: clinical testing. Allele origin: germline.
Comment: In summary, the available evidence is currently insufficient to determine the role of this variant in disease. Therefore, it has been classified as a Variant of Uncertain Significance. Algorithms developed to predict the effect of missense changes on protein structure and function (SIFT, PolyPhen-2, Align-GVGD) all suggest that this variant is likely to be tolerated, but these predictions have not been confirmed by published functional studies and their clinical significance is uncertain. This variant has not been reported in the literature in individuals with DNASE2-related conditions. This variant is not present in population databases (ExAC no frequency). This sequence change replaces alanine with valine at codon 142 of the DNASE2 protein (p.Ala142Val). The alanine residue is weakly conserved and there is a small physicochemical difference between alanine and valine.